The following is an entry in ClinVar:

ClinVar aggregate classification (germline): Benign (1 of 4 stars; one submission).

Conditions:
Weill-Marchesani 4 syndrome, recessive. Also called: Weill-Marchesani syndrome 4. Identifiers: Orphanet 363992, MedGen C2750787, MONDO:0013176, OMIM 613195.

Allele frequency attached by ClinVar (database versions not stated): gnomAD 0.00080 and 0.00106; TOPMed 0.00156; 1000 Genomes Project 30x 0.00453; 1000 Genomes Project 0.00479.

Submission:

Illumina Laboratory Services, Illumina
Classification: Benign for Weill-Marchesani 4 syndrome, recessive. Last evaluated: 2017-04-27. Review status: criteria provided, single submitter. Criteria: ICSL Variant Classification Criteria 13 December 2019. Collection method: clinical testing. Allele origin: germline.
Comment: This variant was observed as part of a predisposition screen in an ostensibly healthy population. A literature search was performed for the gene, cDNA change, and amino acid change (where applicable). No publications were found based on this search. Allele frequency data from public databases was too high to be consistent with this variant causing disease. Therefore, this variant is classified as benign.

NM_139057.4(ADAMTS17):c.*1859C>T

Gene: ADAMTS17 (ADAM metallopeptidase with thrombospondin type 1 motif 17; minus strand). Cytogenetic location: 15q26.3.
Variant type: single nucleotide variant.
Coding change: c.*1859C>T on transcript NM_139057.4 (MANE Select); 1859 bases downstream of the stop codon, C replaced by T.
Molecular consequence: 3 prime UTR variant.
Genome position (GRCh38, 1-based): chr15:99,972,543, G>A on the plus strand (C>T on the coding strand, the complement: ADAMTS17 is on the minus strand). VCF-style: chr15-99972543-G-A. GRCh37 (hg19) VCF-style: chr15-100512748-G-A.
Identifiers: ClinVar variation 887260 (VCV000887260.4), dbSNP rs79741636, ClinGen allele CA275483194.
Genomic context (GRCh38, chr15:99,972,543, plus strand): 5'-TCTAAATGTCTTTCAGTGAATTAACAGTTCATTTGGGGATGAAGAAAATTGAACCTCAGC[G>A]CCCCCAAAATTTTGAGGGCTTTGTGAAAATGGGAATTCATGGGAGTCTGCTGGTGGCCAG-3'